The following is an entry in ClinVar:

NM_020754.4(ARHGAP31):c.2616A>C (p.Ser872=)

Gene: ARHGAP31 (Rho GTPase activating protein 31; plus strand). Cytogenetic location: 3q13.33.
Variant type: single nucleotide variant.
Coding change: c.2616A>C on transcript NM_020754.4 (MANE Select); coding-DNA position 2616, A replaced by C.
Protein change: p.Ser872=; no amino-acid change (serine 872 retained).
Molecular consequence: synonymous variant.
Genome position (GRCh38, 1-based): chr3:119,414,545, A>C. VCF-style: chr3-119414545-A-C. GRCh37 (hg19) VCF-style: chr3-119133392-A-C.
Identifiers: ClinVar variation 4822037 (VCV004822037.4).

ClinVar aggregate classification (germline): Likely benign (1 of 4 stars; one submission).

gnomAD v4.1: 53 of 1,614,108 alleles (0.0033%); highest among the groups gnomAD compares: Non-Finnish European, 0.0042%; no homozygotes.

Submission:

CeGaT Center for Human Genetics Tuebingen
Classification: Likely benign. Last evaluated: 2026-03-01. Review status: criteria provided, single submitter. Criteria: CeGaT Center For Human Genetics Tuebingen Variant Classification Criteria Version 2. Collection method: clinical testing. Allele origin: germline. Affected: yes. Observed: 1 variant allele.
Comment: ARHGAP31: BP4, BP7